The following is an entry in ClinVar:

ClinVar aggregate classification (germline): Uncertain significance (1 of 4 stars; one submission).

Allele frequency attached by ClinVar (database versions not stated): gnomAD exomes 0.00001.
gnomAD v4.1: 8 of 1,614,150 alleles (0.0005%); highest among the groups gnomAD compares: Non-Finnish European, 0.00068%; no homozygotes.

Submission:

GeneDx
Classification: Uncertain significance. Last evaluated: 2012-11-05. Review status: criteria provided, single submitter. Criteria: GeneDx Variant Classification (06012015). Collection method: clinical testing. Allele origin: germline. Affected: yes.
Comment: p.Phe719Leu (TTC>CTC): c.2155 T>C in exon 16 of the FBN2 gene (NM_001999.3) The Phe719Leu variant in the FBN2 gene has not been reported as a disease-causing mutation or as a benign polymorphism to our knowledge. Although Phe719Leu results in a conservative amino acid substitution of one non-polar amino acid with another, the Phe719 position that is conserved across species. In silico analysis predicts Phe719Leu is probably damaging to the protein structure/function. Furthermore, the NHLBI ESP Exome Variant Server reports Phe719Leu was not observed in approximately 6,000 samples from individuals of European and African American backgrounds, indicating it is not a common benign variant in these populations. Nevertheless, no mutations in nearby codons have been reported in association with congenital contractural arachnodactyly, indicating this region of the protein may be tolerant of change. With the clinical and molecular information available at this time, we cannot definitively determine if Phe719Leu is a disease-causing mutation or a rare benign variant. This variant was found in TAAD

NM_001999.4(FBN2):c.2155T>C (p.Phe719Leu)

Gene: FBN2 (fibrillin 2; minus strand). Cytogenetic location: 5q23.3.
Variant type: single nucleotide variant.
Coding change: c.2155T>C on transcript NM_001999.4 (MANE Select); coding-DNA position 2155, T replaced by C.
Protein change: p.Phe719Leu; replaces phenylalanine 719 with leucine.
Molecular consequence: missense variant.
Genome position (GRCh38, 1-based): chr5:128,369,275, A>G on the plus strand (T>C on the coding strand, the complement: FBN2 is on the minus strand). VCF-style: chr5-128369275-A-G. GRCh37 (hg19) VCF-style: chr5-127704968-A-G.
Other names: short protein forms F719L.
Identifiers: ClinVar variation 213285 (VCV000213285.2), dbSNP rs863223557, ClinGen allele CA320644.
Genomic context (GRCh38, chr5:128,369,275, plus strand): 5'-CTCCAAAACCATAGTCTGGATTGGCACAGCAGCATTCGGACTTGGTCACTGCACCGGGGA[A>G]AGGACGCACACACACTCCTTTCTTGATTCCTCCATAGCAGGTACTGCGCATGTGAGTATC-3'
Protein context (NP_001990.2, residues 709-729): GIKKGVCVRP[Phe719Leu]PGAVTKSECC